The following is an entry in ClinVar:

ClinVar aggregate classification (germline): Pathogenic/Likely pathogenic. Review status: criteria provided, multiple submitters, no conflicts (2 of 4 stars). 5 submissions from 5 submitters: Pathogenic (3); Likely pathogenic (1). 1 of the submissions does not count toward it. Last evaluated 2025-12-14.

Conditions:
Glycogen storage disease, type VII (GSD7). Also called: GSD VII; MUSCLE PHOSPHOFRUCTOKINASE DEFICIENCY; PFKM DEFICIENCY; TARUI DISEASE. Identifiers: Orphanet 371, MedGen C0017926, MONDO:0009295, OMIM 232800.

Allele frequency attached by ClinVar (database versions not stated): TOPMed below 0.00001; gnomAD exomes 0.00001; ExAC 0.00002; 1000 Genomes Project 30x 0.00016; 1000 Genomes Project 0.00020.
gnomAD v4.1: 7 of 1,611,920 alleles (0.00043%); highest among the groups gnomAD compares: African/African-American, 0.0013%; no homozygotes.

Submissions (5):

Labcorp Genetics (formerly Invitae), Labcorp
Classification: Pathogenic for Glycogen storage disease, type VII. Last evaluated: 2025-12-14. Review status: criteria provided, single submitter. Criteria: Invitae Variant Classification Sherloc (09022015). Collection method: clinical testing. Allele origin: germline.
Comment: This sequence change replaces arginine, which is basic and polar, with glutamine, which is neutral and polar, at codon 376 of the PFKM protein (p.Arg376Gln). RNA analysis indicates that this missense change induces altered splicing and may result in an absent or altered protein product. This variant is present in population databases (rs187131358, gnomAD 0.006%). This missense change has been observed in individual(s) with glycogen storage disease (PMID: 8659544). It has also been observed to segregate with disease in related individuals. ClinVar contains an entry for this variant (Variation ID: 554445). Invitae Evidence Modeling of protein sequence and biophysical properties (such as structural, functional, and spatial information, amino acid conservation, physicochemical variation, residue mobility, and thermodynamic stability) has been performed for this missense variant. However, the output from this modeling did not meet the statistical confidence thresholds required to predict the impact of this variant on PFKM protein function. Variants that disrupt the consensus splice site are a relatively common cause of aberrant splicing (PMID: 17576681, 9536098). Studies have shown that this missense change results in activation of a cryptic splice site within intron 12, and produces a non-functional protein and/or introduces a premature termination codon (PMID: 8659544). For these reasons, this variant has been classified as Pathogenic.

Natera, Inc.
Classification: Likely pathogenic for Glycogen storage disease type VII. Last evaluated: 2024-10-15. Review status: criteria provided, single submitter. Criteria: Natera Variant Classification Schema (03/2026). Collection method: clinical testing. Allele origin: germline.
Comment: The c.1127G>A variant in PFKM is a missense variant predicted to cause substitution of arginine to glutamine at amino acid 376. This variant is rare in the general population with a frequency below the threshold expected for the associated phenotype(s). This variant has been observed in one or more individuals affected with the associated recessive disease, as either homozygous or compound heterozygous with a second variant (PMID: 8659544). Additionally, this variant has been observed to segregate in affected family members (PMID: 8659544). Functional studies show that this variant may disrupt protein function (PMID: 8659544). Given the available evidence, this variant is classified as Likely Pathogenic.

Fulgent Genetics
Classification: Pathogenic for Glycogen storage disease, type VII. Last evaluated: 2024-04-24. Review status: criteria provided, single submitter. Criteria: ACMG Guidelines, 2015. Collection method: clinical testing. Allele origin: germline.

Women's Health and Genetics/Laboratory Corporation of America, LabCorp
Classification: Pathogenic for Glycogen storage disease, type VII. Last evaluated: 2022-02-08. Review status: criteria provided, single submitter. Criteria: LabCorp Variant Classification Summary - May 2015. Collection method: clinical testing. Allele origin: germline.
Comment: Variant summary: PFKM c.1127G>A (p.Arg376Gln) results in a conservative amino acid change in the encoded protein sequence. Four of five in-silico tools predict a benign effect of the variant on protein function. As the variant alters the last conserved nucleotide of exon 12 adjacent to the canonical intron 12 splicing donor site, several computational tools predict a significant impact on normal splicing: Three predict the variant abolishes the canonical 5' splicing donor site. One predict the variant weakens the canonical 5' splicing donor site. At least one publication reports experimental evidence that this variant affects mRNA splicing leading to the retention of 155 nucleotides of the intronic sequence (example, Nichols_1996). This is predicted to result in premature termination of translation. The variant allele was found at a frequency of 1.2e-05 in 251252 control chromosomes. c.1127G>A has been reported in the literature as a compound heterozygous genotype in four individuals affected with Glycogen Storage Disease, Type VII (Tarui disease) in a Swedish family (example, Nichols_1996). These data indicate that the variant is likely to be associated with disease. Two clinical diagnostic laboratories have submitted clinical-significance assessments for this variant to ClinVar after 2014 without evidence for independent evaluation. One laboratory classified the variant as pathogenic and one laboratory classified the variant as uncertain significance. Based on the evidence outlined above, the variant was classified as pathogenic.

Counsyl
Classification: Uncertain significance for Glycogen storage disease, type VII. Last evaluated: 2017-10-18. Review status: no assertion criteria provided. Collection method: clinical testing. Allele origin: unknown. Not counted in ClinVar's aggregate classification.

Literature cited by the submitters: PubMed 8659544 (cited by 4 submitters); PubMed 17576681 (cited by Labcorp Genetics (formerly Invitae), Labcorp); PubMed 9536098 (cited by Labcorp Genetics (formerly Invitae), Labcorp).

NM_000289.6(PFKM):c.1127G>A (p.Arg376Gln)

Gene: PFKM (phosphofructokinase, muscle; plus strand). Cytogenetic location: 12q13.11.
Variant type: single nucleotide variant.
Coding change: c.1127G>A on transcript NM_000289.6 (MANE Select); coding-DNA position 1127, G replaced by A.
Protein change: p.Arg376Gln; replaces arginine 376 with glutamine.
Molecular consequence: missense variant. On other transcripts: non-coding transcript variant (6).
Genome position (GRCh38, 1-based): chr12:48,139,349, G>A. VCF-style: chr12-48139349-G-A. GRCh37 (hg19) VCF-style: chr12-48533132-G-A.
Other names: c.1340G>A, p.Arg447Gln (NM_001166686.2, NM_001354737.1, NM_001354738.1 and 1 more transcripts); c.1127G>A, p.Arg376Gln (NM_001166687.2, NM_001166688.2, NM_001354742.2 and 2 more transcripts); c.1436G>A, p.Arg479Gln (NM_001354735.1, NM_001354736.1); c.1271G>A, p.Arg424Gln (NM_001354740.1); c.1151G>A, p.Arg384Gln (NM_001354741.2); c.1040G>A, p.Arg347Gln (NM_001354745.2); c.1001G>A, p.Arg334Gln (NM_001354746.2); c.977G>A, p.Arg326Gln (NM_001354747.2, NM_001354748.2); and 1 more; short protein forms R376Q, R447Q, R384Q, R326Q, R334Q, R479Q, R345Q, R347Q.
Identifiers: ClinVar variation 554445 (VCV000554445.18), dbSNP rs187131358, ClinGen allele CA6537218.
Genomic context (GRCh38, chr12:48,139,349, plus strand): 5'-AAGATGTGACCAAGGCCATGGATGAGAAGAAATTTGACGAAGCCCTGAAGCTGAGAGGCC[G>A]GTGAGGAGATGACGGGAAGCTCACTAGCTACAGAAATCAGAGGCGTGAACGAAGCCAAAG-3'
Protein context (NP_000280.1, residues 366-386): KFDEALKLRG[Arg376Gln]SFMNNWEVYK